The following is an entry in ClinVar:

NM_001200.4(BMP2):c.314G>A (p.Arg105Gln)

Gene: BMP2 (bone morphogenetic protein 2; plus strand). Cytogenetic location: 20p12.3.
Variant type: single nucleotide variant.
Coding change: c.314G>A on transcript NM_001200.4 (MANE Select); coding-DNA position 314, G replaced by A.
Protein change: p.Arg105Gln; replaces arginine 105 with glutamine.
Molecular consequence: missense variant.
Genome position (GRCh38, 1-based): chr20:6,770,440, G>A. VCF-style: chr20-6770440-G-A. GRCh37 (hg19) VCF-style: chr20-6751087-G-A.
Other names: short protein forms R105Q.
Identifiers: ClinVar variation 2101187 (VCV002101187.4), dbSNP rs1464939104, ClinGen allele CA408260671.
Genomic context (GRCh38, chr20:6,770,440, plus strand): 5'-GGCACTCAGGTCAGCCGGGCTCACCCGCCCCAGACCACCGGTTGGAGAGGGCAGCCAGCC[G>A]AGCCAACACTGTGCGCAGCTTCCACCATGAAGGTGAGGCATGGAGCAGGGCGTGGGGGCG-3'
Protein context (NP_001191.1, residues 95-115): PDHRLERAAS[Arg105Gln]ANTVRSFHHE

ClinVar aggregate classification (germline): Uncertain significance (1 of 4 stars; one submission).

Allele frequency attached by ClinVar (database versions not stated): TOPMed 0.00001; gnomAD exomes 0.00002.

Submission:

Labcorp Genetics (formerly Invitae), Labcorp
Classification: Uncertain significance. Last evaluated: 2022-03-26. Review status: criteria provided, single submitter. Criteria: Invitae Variant Classification Sherloc (09022015). Collection method: clinical testing. Allele origin: germline.
Comment: This variant is not present in population databases (gnomAD no frequency). This missense change has been observed in individual(s) with otosclerosis (PMID: 24492129). Algorithms developed to predict the effect of missense changes on protein structure and function are either unavailable or do not agree on the potential impact of this missense change (SIFT: "Not Available"; PolyPhen-2: "Benign"; Align-GVGD: "Not Available"). Experimental studies have shown that this missense change does not substantially affect BMP2 function (PMID: 24492129). In summary, the available evidence is currently insufficient to determine the role of this variant in disease. Therefore, it has been classified as a Variant of Uncertain Significance. This sequence change replaces arginine, which is basic and polar, with glutamine, which is neutral and polar, at codon 105 of the BMP2 protein (p.Arg105Gln).

Literature cited by the submitters: PubMed 24492129.